The following is an entry in ClinVar:

ClinVar aggregate classification (germline): Pathogenic (1 of 4 stars; one submission).

Conditions:
Primary ciliary dyskinesia. Also called: Ciliary dyskinesia. Identifiers: Orphanet 244, MedGen C0008780, MONDO:0016575, HP:0012265.

Submission:

Labcorp Genetics (formerly Invitae), Labcorp
Classification: Pathogenic for Primary ciliary dyskinesia. Last evaluated: 2022-03-16. Review status: criteria provided, single submitter. Criteria: Invitae Variant Classification Sherloc (09022015). Collection method: clinical testing. Allele origin: germline.
Comment: This sequence change creates a premature translational stop signal (p.Glu3385*) in the DNAH11 gene. It is expected to result in an absent or disrupted protein product. Loss-of-function variants in DNAH11 are known to be pathogenic (PMID: 18022865, 20513915, 22184204). This variant is not present in population databases (gnomAD no frequency). This variant has not been reported in the literature in individuals affected with DNAH11-related conditions. Algorithms developed to predict the effect of sequence changes on RNA splicing suggest that this variant may create or strengthen a splice site. For these reasons, this variant has been classified as Pathogenic.

Literature cited by the submitters: PubMed 18022865; PubMed 20513915; PubMed 22184204.

NM_001277115.2(DNAH11):c.10153G>T (p.Glu3385Ter)

Gene: DNAH11 (dynein axonemal heavy chain 11; plus strand). Cytogenetic location: 7p15.3.
Variant type: single nucleotide variant.
Coding change: c.10153G>T on transcript NM_001277115.2 (MANE Select); coding-DNA position 10153, G replaced by T.
Protein change: p.Glu3385Ter; replaces glutamic acid 3385 with a stop codon.
Molecular consequence: nonsense.
Genome position (GRCh38, 1-based): chr7:21,801,263, G>T. VCF-style: chr7-21801263-G-T. GRCh37 (hg19) VCF-style: chr7-21840881-G-T.
Other names: short protein forms E3385*.
Identifiers: ClinVar variation 1408912 (VCV001408912.6), dbSNP rs1208384558, ClinGen allele CA366944319.
Genomic context (GRCh38, chr7:21,801,263, plus strand): 5'-TGTCAAGAAGAGGTGAACCAAACCAACAAAACCATCAAATTAGCTAACAGACTTGTCAAG[G>T]AACTTGAGGCAAGTTAAACCTTTTCTTCCAAACATTCTAACTAAAATGTTCAGATCAGCT-3'